The following is an entry in ClinVar:

ClinVar aggregate classification (germline): Uncertain significance (1 of 4 stars; one submission).

Submission:

Labcorp Genetics (formerly Invitae), Labcorp
Classification: Uncertain significance. Last evaluated: 2021-04-23. Review status: criteria provided, single submitter. Criteria: Invitae Variant Classification Sherloc (09022015). Collection method: clinical testing. Allele origin: germline.
Comment: In summary, the available evidence is currently insufficient to determine the role of this variant in disease. Therefore, it has been classified as a Variant of Uncertain Significance. Algorithms developed to predict the effect of missense changes on protein structure and function are either unavailable or do not agree on the potential impact of this missense change (SIFT: "Deleterious"; PolyPhen-2: "Benign"; Align-GVGD: "Class C65"). This variant has not been reported in the literature in individuals with LRRC8A-related conditions. This variant is not present in population databases (ExAC no frequency). This sequence change replaces methionine with threonine at codon 343 of the LRRC8A protein (p.Met343Thr). The methionine residue is highly conserved and there is a moderate physicochemical difference between methionine and threonine.

NM_019594.4(LRRC8A):c.1028T>C (p.Met343Thr)

Gene: LRRC8A (leucine rich repeat containing 8 VRAC subunit A; plus strand). Cytogenetic location: 9q34.11.
Variant type: single nucleotide variant.
Coding change: c.1028T>C on transcript NM_019594.4 (MANE Select); coding-DNA position 1028, T replaced by C.
Protein change: p.Met343Thr; replaces methionine 343 with threonine.
Molecular consequence: missense variant.
Genome position (GRCh38, 1-based): chr9:128,908,192, T>C. VCF-style: chr9-128908192-T-C. GRCh37 (hg19) VCF-style: chr9-131670471-T-C.
Other names: c.1028T>C, p.Met343Thr (NM_001127244.2, NM_001127245.2); short protein forms M343T.
Identifiers: ClinVar variation 1403114 (VCV001403114.8), dbSNP rs2131021520, ClinGen allele CA375079204.
Genomic context (GRCh38, chr9:128,908,192, plus strand): 5'-CCTTCTACATCAGCCTAGTCATCTTCTACGGCCTCATCTGCATGTATACACTGTGGTGGA[T>C]GCTACGGCGCTCCCTCAAGAAGTACTCGTTTGAGTCGATCCGTGAGGAGAGCAGCTACAG-3'
Protein context (NP_062540.2, residues 333-353): GLICMYTLWW[Met343Thr]LRRSLKKYSF